The following is an entry in ClinVar:

ClinVar aggregate classification (germline): Pathogenic (1 of 4 stars; one submission).

Conditions:
Duchenne muscular dystrophy (DMD). Also called: MUSCULAR DYSTROPHY, PSEUDOHYPERTROPHIC PROGRESSIVE, DUCHENNE TYPE; Duchenne Muscular Dystrophy (DMD). Identifiers: Orphanet 98896, MedGen C0013264, MONDO:0010679, OMIM 310200.

Submission:

Labcorp Genetics (formerly Invitae), Labcorp
Classification: Pathogenic for Duchenne muscular dystrophy. Last evaluated: 2016-11-28. Review status: criteria provided, single submitter. Criteria: Invitae Variant Classification Sherloc (09022015). Collection method: clinical testing. Allele origin: germline.
Comment: This variant is a gross duplication of the genomic region encompassing exons 20-25 of the DMD gene. While the exact position of the duplicated exons cannot be determined from this data, the duplicated copy of this region is likely in tandem and may result in an absent or disrupted protein product. While this particular variant has not been reported in the literature, duplications are known to cause Duchenne muscular dystrophy or Becker muscular dystrophy (PMID: 12111668). For these reasons, this variant has been classified as Pathogenic.

NC_000023.10:g.(?_32481556)_(32509635_?)dup

Gene: DMD (dystrophin; minus strand). Cytogenetic location: Xp21.1.
Variant type: Duplication.
Identifiers: ClinVar variation 417495 (VCV000417495.1).